The following is an entry in ClinVar:

NM_000026.4(ADSL):c.1093T>C (p.Tyr365His)

Gene: ADSL (adenylosuccinate lyase; plus strand). Cytogenetic location: 22q13.1.
Variant type: single nucleotide variant.
Coding change: c.1093T>C on transcript NM_000026.4 (MANE Select); coding-DNA position 1093, T replaced by C.
Protein change: p.Tyr365His; replaces tyrosine 365 with histidine.
Molecular consequence: missense variant. On other transcripts: non-coding transcript variant (1).
Genome position (GRCh38, 1-based): chr22:40,363,063, T>C. VCF-style: chr22-40363063-T-C. GRCh37 (hg19) VCF-style: chr22-40759067-T-C.
Other names: c.1093T>C, p.Tyr365His (NM_001123378.3, NM_001363840.3); c.901T>C, p.Tyr301His (NM_001317923.2); short protein forms Y301H, Y365H.
Identifiers: ClinVar variation 1447455 (VCV001447455.8), dbSNP rs1395622939, ClinGen allele CA411646086.
Genomic context (GRCh38, chr22:40,363,063, plus strand): 5'-TTTCTTACCGCAGATACTATATTGAATACGCTGCAGAACATTTCTGAAGGATTGGTCGTG[T>C]ACCCCAAAGTAAGAAGCCTCAATTCAAAAGTAAAGTACTAGGGAGGGGTTAGAATGTGGG-3'
Protein context (NP_000017.1, residues 355-375): LQNISEGLVV[Tyr365His]PKVIERRIRQ

ClinVar aggregate classification (germline): Uncertain significance (1 of 4 stars; one submission).

Conditions:
Adenylosuccinate lyase deficiency (ADSLD). Also called: ADSL DEFICIENCY. Identifiers: Orphanet 46, MedGen C0268126, MONDO:0007068, OMIM 103050.

Allele frequency attached by ClinVar (database versions not stated): gnomAD exomes below 0.00001; gnomAD 0.00001; TOPMed 0.00001.
gnomAD v4.1: 5 of 1,613,768 alleles (0.00031%); highest among the groups gnomAD compares: African/African-American, 0.0067%; no homozygotes.

Submission:

Labcorp Genetics (formerly Invitae), Labcorp
Classification: Uncertain significance for Adenylosuccinate lyase deficiency. Last evaluated: 2022-09-01. Review status: criteria provided, single submitter. Criteria: Invitae Variant Classification Sherloc (09022015). Collection method: clinical testing. Allele origin: germline.
Comment: Advanced modeling of protein sequence and biophysical properties (such as structural, functional, and spatial information, amino acid conservation, physicochemical variation, residue mobility, and thermodynamic stability) performed at Invitae indicates that this missense variant is expected to disrupt ADSL protein function. In summary, the available evidence is currently insufficient to determine the role of this variant in disease. Therefore, it has been classified as a Variant of Uncertain Significance. ClinVar contains an entry for this variant (Variation ID: 1447455). This variant has not been reported in the literature in individuals affected with ADSL-related conditions. This variant is present in population databases (no rsID available, gnomAD 0.02%). This sequence change replaces tyrosine, which is neutral and polar, with histidine, which is basic and polar, at codon 365 of the ADSL protein (p.Tyr365His).